The following is an entry in ClinVar:

ClinVar aggregate classification (germline): Pathogenic (1 of 4 stars; one submission).

Conditions:
Autosomal recessive nonsyndromic hearing loss 12. Also called: DEAFNESS, AUTOSOMAL RECESSIVE 12. Identifiers: Orphanet 90636, MedGen C1832394, MONDO:0011067, OMIM 601386.

Submission:

Institute of Rare Diseases, West China Hospital, Sichuan University
Classification: Pathogenic for Autosomal recessive nonsyndromic hearing loss 12. Last evaluated: 2025-01-09. Review status: criteria provided, single submitter. Criteria: ClinGen HL ACMG Specifications v1. Collection method: research. Allele origin: germline. Affected: yes.
Comment: PVS1;PM3;PM2_Supporting

NM_022124.6(CDH23):c.1569del (p.Asp522_Tyr523insTer)

Gene: CDH23 (cadherin related 23; plus strand). Cytogenetic location: 10q22.1.
Variant type: Deletion.
Coding change: c.1569del on transcript NM_022124.6 (MANE Select); coding-DNA position 1569, one base deleted (T; older notation c.1569delT).
Protein change: p.Asp522_Tyr523insTer.
Molecular consequence: nonsense.
Genome position (GRCh38, 1-based): chr10:71,677,510, T deleted. VCF-style (leftmost placement, unchanged base first): chr10-71677509-AT-A. GRCh37 (hg19) VCF-style: chr10-73437266-AT-A.
Other names: c.1569del, p.Asp522_Tyr523insTer (NM_001171930.2, NM_001171931.2).
Identifiers: ClinVar variation 3601154 (VCV003601154.1).